The following is an entry in ClinVar:

NM_024422.6(DSC2):c.1796C>G (p.Pro599Arg)

Gene: DSC2 (desmocollin 2; minus strand). Cytogenetic location: 18q12.1.
Variant type: single nucleotide variant.
Coding change: c.1796C>G on transcript NM_024422.6 (MANE Select); coding-DNA position 1796, C replaced by G.
Protein change: p.Pro599Arg; replaces proline 599 with arginine.
Molecular consequence: missense variant.
Genome position (GRCh38, 1-based): chr18:31,074,775, G>C on the plus strand (C>G on the coding strand, the complement: DSC2 is on the minus strand). VCF-style: chr18-31074775-G-C. GRCh37 (hg19) VCF-style: chr18-28654741-G-C.
Other names: c.1796C>G, p.Pro599Arg (NM_004949.5); short protein forms P599R.
Identifiers: ClinVar variation 923051 (VCV000923051.12), dbSNP rs377384219, ClinGen allele CA033278.

ClinVar aggregate classification (germline): Conflicting classifications of pathogenicity. Review status: criteria provided, conflicting classifications (1 of 4 stars). 4 submissions from 4 submitters: Uncertain significance (3); Likely benign (1). Last evaluated 2025-06-11.

Conditions:
Cardiovascular phenotype. Identifiers: MedGen CN230736.
Cardiomyopathy (CMYO). Also called: Cardiomyopathies. Identifiers: Orphanet 167848, MedGen C0878544, MONDO:0004994, HP:0001638. Inheritance: Various modes of inheritance.
Familial isolated arrhythmogenic right ventricular dysplasia. Identifiers: Orphanet 217656, MedGen C4274968, MONDO:0016342.
Arrhythmogenic right ventricular dysplasia 11. Also called: ARRHYTHMOGENIC RIGHT VENTRICULAR DYSPLASIA, FAMILIAL, 11; Arrhythmogenic Right Ventricular Dysplasia/Cardiomyopathy11; Arrhythmogenic right ventricular dysplasia 11 with mild palmoplantar keratoderma and woolly hair. Identifiers: MedGen C1864850, MONDO:0012506, OMIM 610476.

Allele frequency attached by ClinVar (database versions not stated): gnomAD exomes below 0.00001 and 0.00001; ExAC 0.00001; gnomAD 0.00001; ESP Exome Variant Server 0.00008; TOPMed 0.00001.
gnomAD v4.1: 3 of 1,613,932 alleles (0.00019%); highest among the groups gnomAD compares: Non-Finnish European, 0.00025%; no homozygotes.

Submissions (4):

Ambry Genetics
Classification: Likely benign for Cardiovascular phenotype. Last evaluated: 2025-06-11. Review status: criteria provided, single submitter. Criteria: Ambry Variant Classification Scheme 2023. Collection method: clinical testing. Allele origin: germline.

Labcorp Genetics (formerly Invitae), Labcorp
Classification: Uncertain significance for Arrhythmogenic right ventricular dysplasia 11. Last evaluated: 2024-12-17. Review status: criteria provided, single submitter. Criteria: Invitae Variant Classification Sherloc (09022015). Collection method: clinical testing. Allele origin: germline.
Comment: This sequence change replaces proline, which is neutral and non-polar, with arginine, which is basic and polar, at codon 599 of the DSC2 protein (p.Pro599Arg). This variant is present in population databases (rs377384219, gnomAD 0.002%). This variant has not been reported in the literature in individuals affected with DSC2-related conditions. ClinVar contains an entry for this variant (Variation ID: 923051). Invitae Evidence Modeling of protein sequence and biophysical properties (such as structural, functional, and spatial information, amino acid conservation, physicochemical variation, residue mobility, and thermodynamic stability) indicates that this missense variant is not expected to disrupt DSC2 protein function with a negative predictive value of 80%. In summary, the available evidence is currently insufficient to determine the role of this variant in disease. Therefore, it has been classified as a Variant of Uncertain Significance.

All of Us Research Program, National Institutes of Health
Classification: Uncertain significance for Familial isolated arrhythmogenic right ventricular dysplasia. Last evaluated: 2024-04-10. Review status: criteria provided, single submitter. Criteria: ACMG Guidelines, 2015. Collection method: clinical testing. Allele origin: germline. Inheritance: Autosomal dominant inheritance. Observed: 4 variant alleles, 4 heterozygotes.
Comment: This missense variant replaces proline with arginine at codon 599 of the DSC2 protein. Computational prediction suggests that this variant may not impact protein structure and function (internally defined REVEL score threshold <= 0.5, PMID: 27666373). To our knowledge, functional studies have not been reported for this variant. This variant has not been reported in individuals affected with cardiovascular disorders in the literature. This variant has been identified in 2/251154 chromosomes in the general population by the Genome Aggregation Database (gnomAD). The available evidence is insufficient to determine the role of this variant in disease conclusively. Therefore, this variant is classified as a Variant of Uncertain Significance.

This study involves interpretation of variants in research participants for the purpose of population health screening. Participant phenotype was not available at the time of variant classification. Additional details can be found in publication PMID: 35346344, PMCID: PMC8962531

Color Diagnostics, LLC DBA Color Health
Classification: Uncertain significance for Cardiomyopathy. Last evaluated: 2024-03-06. Review status: criteria provided, single submitter. Criteria: ACMG Guidelines, 2015. Collection method: clinical testing. Allele origin: germline.
Comment: This missense variant replaces proline with arginine at codon 599 of the DSC2 protein. Computational prediction suggests that this variant may not impact protein structure and function (internally defined REVEL score threshold <= 0.5, PMID: 27666373). To our knowledge, functional studies have not been reported for this variant. This variant has not been reported in individuals affected with DSC2-related disorders in the literature. This variant has been identified in 2/251154 chromosomes in the general population by the Genome Aggregation Database (gnomAD). The available evidence is insufficient to determine the role of this variant in disease conclusively. Therefore, this variant is classified as a Variant of Uncertain Significance.